The following is an entry in ClinVar:

ClinVar aggregate classification (germline): Uncertain significance (1 of 4 stars; one submission).

Submission:

GeneDx
Classification: Uncertain significance. Last evaluated: 2024-10-30. Review status: criteria provided, single submitter. Criteria: GeneDx Variant Classification Process June 2021. Collection method: clinical testing. Allele origin: germline. Affected: yes.
Comment: Not observed at significant frequency in large population cohorts (gnomAD); In silico analysis supports that this missense variant has a deleterious effect on protein structure/function; Has not been previously published as pathogenic or benign to our knowledge

NM_173500.4(TTBK2):c.347G>A (p.Ser116Asn)

Gene: TTBK2 (tau tubulin kinase 2; minus strand). Cytogenetic location: 15q15.2.
Variant type: single nucleotide variant.
Coding change: c.347G>A on transcript NM_173500.4 (MANE Select); coding-DNA position 347, G replaced by A.
Protein change: p.Ser116Asn; replaces serine 116 with asparagine.
Molecular consequence: missense variant.
Genome position (GRCh38, 1-based): chr15:42,830,023, C>T on the plus strand (G>A on the coding strand, the complement: TTBK2 is on the minus strand). VCF-style: chr15-42830023-C-T. GRCh37 (hg19) VCF-style: chr15-43122221-C-T.
Other names: short protein forms S116N.
Identifiers: ClinVar variation 3897350 (VCV003897350.1).